The following is an entry in ClinVar:

ClinVar aggregate classification (germline): Uncertain significance (1 of 4 stars; one submission).

Conditions:
Familial thoracic aortic aneurysm and aortic dissection (TAAD). Also called: Thoracic aortic aneurysms and dissections. Identifiers: Orphanet 91387, MedGen C4707243, MONDO:0019625.

Submission:

Color Diagnostics, LLC DBA Color Health
Classification: Uncertain significance for Familial thoracic aortic aneurysm and aortic dissection. Last evaluated: 2024-05-22. Review status: criteria provided, single submitter. Criteria: ACMG Guidelines, 2015. Collection method: clinical testing. Allele origin: germline.
Comment: This missense variant replaces glycine with alanine at codon 177 of the TGFBR2 protein. Computational prediction tools indicate that this variant has a neutral impact on protein structure and function. To our knowledge, functional studies have not been reported for this variant. This variant has not been reported in individuals affected with TGFBR2-related disorders in the literature. This variant has not been identified in the general population by the Genome Aggregation Database (gnomAD). The available evidence is insufficient to determine the role of this variant in disease conclusively. Therefore, this variant is classified as a Variant of Uncertain Significance.

NM_003242.6(TGFBR2):c.530G>C (p.Gly177Ala)

Gene: TGFBR2 (transforming growth factor beta receptor 2; plus strand). Cytogenetic location: 3p24.1.
Variant type: single nucleotide variant.
Coding change: c.530G>C on transcript NM_003242.6 (MANE Select); coding-DNA position 530, G replaced by C.
Protein change: p.Gly177Ala; replaces glycine 177 with alanine.
Molecular consequence: missense variant. On other transcripts: intron variant (1).
Genome position (GRCh38, 1-based): chr3:30,671,713, G>C. VCF-style: chr3-30671713-G-C. GRCh37 (hg19) VCF-style: chr3-30713205-G-C.
Other names: c.605G>C, p.Gly202Ala (NM_001024847.3); c.713G>C, p.Gly238Ala (NM_001407126.1); c.638G>C, p.Gly213Ala (NM_001407127.1); c.557G>C, p.Gly186Ala (NM_001407128.1); c.533G>C, p.Gly178Ala (NM_001407129.1); c.530G>C, p.Gly177Ala (NM_001407130.1); c.425G>C, p.Gly142Ala (NM_001407132.1, NM_001407133.1, NM_001407134.1 and 2 more transcripts); c.245G>C, p.Gly82Ala (NM_001407137.1); and 2 more; short protein forms G142A, G177A, G178A, G186A, G202A, G213A, G238A, G57A.
Identifiers: ClinVar variation 3893822 (VCV003893822.1).